The following is an entry in ClinVar:

NM_001127453.2(GSDME):c.1183+1G>A

Gene: GSDME (gasdermin E; minus strand). Cytogenetic location: 7p15.3.
Variant type: single nucleotide variant.
Coding change: c.1183+1G>A on transcript NM_001127453.2 (MANE Select); the canonical splice donor site of the intron after coding-DNA position 1183, G replaced by A.
Molecular consequence: splice donor variant.
Genome position (GRCh38, 1-based): chr7:24,706,183, C>T on the plus strand (G>A on the coding strand, the complement: GSDME is on the minus strand). VCF-style: chr7-24706183-C-T. GRCh37 (hg19) VCF-style: chr7-24745802-C-T.
Other names: c.691+1G>A (NM_001127454.2); c.1183+1G>A (NM_004403.3).
Identifiers: ClinVar variation 493450 (VCV000493450.46), dbSNP rs1554322596, ClinGen allele CA367046833.

ClinVar aggregate classification (germline): Pathogenic/Likely pathogenic. Review status: criteria provided, multiple submitters, no conflicts (2 of 4 stars). 2 submissions from 2 submitters: Pathogenic (1); Likely pathogenic (1). Last evaluated 2023-11-13.

Allele frequency attached by ClinVar (database versions not stated): TOPMed below 0.00001; gnomAD 0.00001.
gnomAD v4.1: 1 of 1,614,106 alleles (0.000062%); highest among the groups gnomAD compares: Non-Finnish European, 0.000085%; no homozygotes.

Submissions (2):

Labcorp Genetics (formerly Invitae), Labcorp
Classification: Pathogenic. Last evaluated: 2023-11-13. Review status: criteria provided, single submitter. Criteria: Invitae Variant Classification Sherloc (09022015). Collection method: clinical testing. Allele origin: germline.
Comment: This sequence change affects a donor splice site in intron 8 of the DFNA5 gene. It is expected to disrupt RNA splicing. Variants that disrupt the donor or acceptor splice site typically lead to a loss of protein function (PMID: 16199547), however the current clinical and genetic evidence is not sufficient to establish whether loss-of-function variants in DFNA5 cause disease. This variant is not present in population databases (gnomAD no frequency). Disruption of this splice site has been observed in individuals with deafness (PMID: 35864542; Invitae). It has also been observed to segregate with disease in related individuals. ClinVar contains an entry for this variant (Variation ID: 493450). Algorithms developed to predict the effect of sequence changes on RNA splicing suggest that this variant may disrupt the consensus splice site. For these reasons, this variant has been classified as Pathogenic.

CeGaT Center for Human Genetics Tuebingen
Classification: Likely pathogenic. Last evaluated: 2017-10-01. Review status: criteria provided, single submitter. Criteria: CeGaT Center For Human Genetics Tuebingen Variant Classification Criteria Version 2. Collection method: clinical testing. Allele origin: germline. Affected: yes. Observed: 1 variant allele.

Literature cited by the submitters: PubMed 16199547 (cited by Labcorp Genetics (formerly Invitae), Labcorp); PubMed 35864542 (cited by Labcorp Genetics (formerly Invitae), Labcorp).